The following is an entry in ClinVar:

ClinVar aggregate classification (germline): Pathogenic (1 of 4 stars; one submission).

Conditions:
Sitosterolemia (STSL). Also called: PHYTOSTEROLEMIA. Identifiers: Orphanet 2882, MedGen C0342907, MONDO:0008863.

Submission:

Labcorp Genetics (formerly Invitae), Labcorp
Classification: Pathogenic for Sitosterolemia. Last evaluated: 2022-10-28. Review status: criteria provided, single submitter. Criteria: Invitae Variant Classification Sherloc (09022015). Collection method: clinical testing. Allele origin: germline.
Comment: For these reasons, this variant has been classified as Pathogenic. This variant disrupts a region of the ABCG5 protein in which other variant(s) (p.Ile639*) have been determined to be pathogenic (PMID: 30697800, 34969652). This suggests that this is a clinically significant region of the protein, and that variants that disrupt it are likely to be disease-causing. Algorithms developed to predict the effect of sequence changes on RNA splicing suggest that this variant may disrupt the consensus splice site. This variant has not been reported in the literature in individuals affected with ABCG5-related conditions. This variant is not present in population databases (gnomAD no frequency). This sequence change creates a premature translational stop signal (p.Ile561Asnfs*13) in the ABCG5 gene. While this is not anticipated to result in nonsense mediated decay, it is expected to disrupt the last 91 amino acid(s) of the ABCG5 protein.

Literature cited by the submitters: PubMed 30697800; PubMed 34969652.

NM_022436.3(ABCG5):c.1681dup (p.Ile561fs)

Genes: ABCG5 (ATP binding cassette subfamily G member 5; minus strand), DYNC2LI1 (dynein cytoplasmic 2 light intermediate chain 1; plus strand). Cytogenetic location: 2p21.
Variant type: Duplication.
Coding change: c.1681dup on transcript NM_022436.3 (MANE Select); coding-DNA position 1681, one base duplicated (A; older notation c.1681dupA).
Protein change: p.Ile561fs; shifts the reading frame from isoleucine 561.
Molecular consequence: frameshift variant. On other transcripts: intron variant (2).
Genome position (GRCh38, 1-based): chr2:43,814,558, T duplicated on the plus strand (A on the coding strand, the reverse complement: ABCG5 is on the minus strand); the first of 4 consecutive T bases (chr2:43,814,558-43,814,561); duplicating any one gives the same sequence. VCF-style (leftmost placement, unchanged base first): chr2-43814557-A-AT. GRCh37 (hg19) VCF-style: chr2-44041696-A-AT.
Other names: c.*15+4037dup (NM_001348913.2, NM_001348912.2); short protein forms I561fs.
Identifiers: ClinVar variation 2111434 (VCV002111434.4), dbSNP rs2465896835, ClinGen allele CA2580066487.